The following is an entry in ClinVar:

NM_001378418.1(TCF20):c.853G>T (p.Gly285Ter)

Gene: TCF20 (transcription factor 20; minus strand). Cytogenetic location: 22q13.2.
Variant type: single nucleotide variant.
Coding change: c.853G>T on transcript NM_001378418.1 (MANE Select); coding-DNA position 853, G replaced by T.
Protein change: p.Gly285Ter; replaces glycine 285 with a stop codon.
Molecular consequence: nonsense.
Genome position (GRCh38, 1-based): chr22:42,214,453, C>A on the plus strand (G>T on the coding strand, the complement: TCF20 is on the minus strand). VCF-style: chr22-42214453-C-A. GRCh37 (hg19) VCF-style: chr22-42610459-C-A.
Other names: c.853G>T, p.Gly285Ter (NM_005650.4, NM_181492.3); short protein forms G285*.
Identifiers: ClinVar variation 2629988 (VCV002629988.1), dbSNP rs2518241727, ClinGen allele CA411792104.
Genomic context (GRCh38, chr22:42,214,453, plus strand): 5'-TCTTTGCCTGTTCAAAATTCTTCATAGATTGAGGCTGATAGCTGTAATTGGATTGTGTTC[C>A]ATAAGCCTGTGCATTAGAACCCACATTGTGTCCTTCATACTGAGATCCAGCATTCACATT-3'

ClinVar aggregate classification (germline): Pathogenic (1 of 4 stars; one submission).

Conditions:
TCF20-related disorder. Also called: TCF20-related condition.

Submission:

PreventionGenetics, part of Exact Sciences
Classification: Pathogenic for TCF20-related condition. Last evaluated: 2023-01-19. Review status: criteria provided, single submitter. Criteria: ACMG Guidelines, 2015. Collection method: clinical testing. Allele origin: germline.
Comment: The TCF20 c.853G>T variant is predicted to result in premature protein termination (p.Gly285*). To our knowledge, this variant has not been reported in the literature or in a large population database, indicating this variant is rare. Nonsense variants in TCF20 are expected to be pathogenic. This variant is interpreted as pathogenic.